The following is an entry in ClinVar:

ClinVar aggregate classification (germline): Conflicting classifications of pathogenicity. Review status: criteria provided, conflicting classifications (1 of 4 stars). 3 submissions from 3 submitters: Uncertain significance (2); Likely benign (1). Last evaluated 2023-03-23.

Conditions:
Hereditary cancer-predisposing syndrome. Also called: Hereditary neoplastic syndrome; Neoplastic Syndromes, Hereditary; Tumor predisposition; Hereditary Cancer Syndrome. Identifiers: Orphanet 140162, MedGen C0027672, MeSH D009386, MONDO:0015356.
Hereditary breast ovarian cancer syndrome. Also called: Hereditary breast and ovarian cancer syndrome (HBOC); BRCA1- and BRCA2-Associated Hereditary Breast and Ovarian Cancer; Hereditary breast and ovarian cancer syndrome; Breast and ovarian cancer; Hereditary breast and ovarian cancer; Hereditary breast and/or ovarian cancer syndrome. Identifiers: Orphanet 145, MedGen C0677776, MeSH D061325, MONDO:0003582. Disease mechanism: loss of function.

Submissions (3):

University of Washington Department of Laboratory Medicine, University of Washington
Classification: Likely benign for Hereditary cancer-predisposing syndrome. Last evaluated: 2023-03-23. Review status: criteria provided, single submitter. Criteria: Dines et al. (Genet Med. 2020). Collection method: curation. Allele origin: germline.
Comment: Missense variant in a coldspot region where missense variants are very unlikely to be pathogenic (PMID:31911673).

BRCA2 exon 11 coldspot. Reclassification based on statistical prior probability.

Ambry Genetics
Classification: Uncertain significance for Hereditary cancer-predisposing syndrome. Last evaluated: 2021-07-29. Review status: criteria provided, single submitter. Criteria: Ambry Variant Classification Scheme 2023. Collection method: clinical testing. Allele origin: germline.
Comment: The p.G2078E variant (also known as c.6233G>A), located in coding exon 10 of the BRCA2 gene, results from a G to A substitution at nucleotide position 6233. The glycine at codon 2078 is replaced by glutamic acid, an amino acid with similar properties. This amino acid position is not well conserved in available vertebrate species. In addition, the in silico prediction for this alteration is inconclusive. Since supporting evidence is limited at this time, the clinical significance of this alteration remains unclear.

Labcorp Genetics (formerly Invitae), Labcorp
Classification: Uncertain significance for Hereditary breast ovarian cancer syndrome. Last evaluated: 2017-11-16. Review status: criteria provided, single submitter. Criteria: Invitae Variant Classification Sherloc (09022015). Collection method: clinical testing. Allele origin: germline.
Comment: This sequence change replaces glycine with glutamic acid at codon 2078 of the BRCA2 protein (p.Gly2078Glu). The glycine residue is moderately conserved and there is a moderate physicochemical difference between glycine and glutamic acid. This variant is not present in population databases (ExAC no frequency). In summary, the available evidence is currently insufficient to determine the role of this variant in disease. Therefore, it has been classified as a Variant of Uncertain Significance. Algorithms developed to predict the effect of missense changes on protein structure and function output the following: SIFT: "Tolerated"; PolyPhen-2: "Possibly Damaging"; Align-GVGD: "Class C0". The glutamic acid amino acid residue is found in multiple mammalian species, suggesting that this missense change does not adversely affect protein function. These predictions have not been confirmed by published functional studies and their clinical significance is uncertain. This variant has not been reported in the literature in individuals with BRCA2-related disease.

NM_000059.4(BRCA2):c.6233G>A (p.Gly2078Glu)

Gene: BRCA2 (BRCA2 DNA repair associated; plus strand). Cytogenetic location: 13q13.1.
Variant type: single nucleotide variant.
Coding change: c.6233G>A on transcript NM_000059.4 (MANE Select); coding-DNA position 6233, G replaced by A.
Protein change: p.Gly2078Glu; replaces glycine 2078 with glutamic acid.
Molecular consequence: missense variant.
Genome position (GRCh38, 1-based): chr13:32,340,588, G>A. VCF-style: chr13-32340588-G-A. GRCh37 (hg19) VCF-style: chr13-32914725-G-A.
Other names: short protein forms G2078E.
Identifiers: ClinVar variation 531437 (VCV000531437.12), dbSNP rs769883812, ClinGen allele CA387788896.
Genomic context (GRCh38, chr13:32,340,588, plus strand): 5'-TTAGTACAGCAAGTGGAAAGCAAGTTTCCATTTTAGAAAGTTCCTTACACAAAGTTAAGG[G>A]AGTGTTAGAGGAATTTGATTTAATCAGAACTGAGCATAGTCTTCACTATTCACCTACGTC-3'
Protein context (NP_000050.3, residues 2068-2088): ILESSLHKVK[Gly2078Glu]VLEEFDLIRT